The following is an entry in ClinVar:

NM_000038.6(APC):c.646-7A>G

Gene: APC (APC regulator of Wnt signaling pathway; plus strand). Cytogenetic location: 5q22.2.
Variant type: single nucleotide variant.
Coding change: c.646-7A>G on transcript NM_000038.6 (MANE Select); 7 bases into the intron before coding-DNA position 646, A replaced by G.
Molecular consequence: intron variant.
Genome position (GRCh38, 1-based): chr5:112,792,439, A>G. VCF-style: chr5-112792439-A-G. GRCh37 (hg19) VCF-style: chr5-112128136-A-G.
Other names: c.646-7A>G (NM_001354895.2, NM_001127510.3, NM_001354896.2 and 1 more transcripts); c.676-7A>G (NM_001354897.2, NM_001354902.2); c.676-8840A>G (NM_001127511.3); c.571-7A>G (NM_001354898.2, NM_001354904.2); c.-390-7A>G (NM_001354906.2); c.646-8840A>G (NM_001354899.2); c.469-7A>G (NM_001354900.2, NM_001354901.2, NM_001354905.2).
Identifiers: ClinVar variation 1630065 (VCV001630065.9), dbSNP rs758518804, ClinGen allele CA2573138901.

ClinVar aggregate classification (germline): Likely benign. Review status: criteria provided, multiple submitters, no conflicts (2 of 4 stars). 2 submissions from 2 submitters: Likely benign (2). Last evaluated 2024-03-24.

Conditions:
Classic or attenuated familial adenomatous polyposis. Identifiers: MedGen CN372698, MONDO:0021057.
Familial adenomatous polyposis 1 (FAP1). Also called: POLYPOSIS, ADENOMATOUS INTESTINAL; FAMILIAL ADENOMATOUS POLYPOSIS 1, ATTENUATED. Identifiers: MedGen C2713442, MONDO:0021056, OMIM 175100. Disease mechanism: loss of function.

Submissions (2):

All of Us Research Program, National Institutes of Health
Classification: Likely benign for Classic or attenuated familial adenomatous polyposis. Last evaluated: 2024-03-24. Review status: criteria provided, single submitter. Criteria: ACMG Guidelines, 2015. Collection method: clinical testing. Allele origin: germline. Inheritance: Autosomal dominant inheritance. Observed: 1 variant allele, 1 heterozygote.
Comment: This study involves interpretation of variants in research participants for the purpose of population health screening. Participant phenotype was not available at the time of variant classification. Additional details can be found in publication PMID: 35346344, PMCID: PMC8962531

Labcorp Genetics (formerly Invitae), Labcorp
Classification: Likely benign for Familial adenomatous polyposis 1. Last evaluated: 2021-11-23. Review status: criteria provided, single submitter. Criteria: Invitae Variant Classification Sherloc (09022015). Collection method: clinical testing. Allele origin: germline.